The following continues an entry in ClinVar:

NM_000051.4(ATM):c.3925G>A (p.Ala1309Thr)

Gene: ATM. ClinVar aggregate classification (germline): Benign. Benign (1).

Submissions 15 to 30 of 33:

Women's Health and Genetics/Laboratory Corporation of America, LabCorp
Classification: Benign. Last evaluated: 2020-10-22. Review status: criteria provided, single submitter. Criteria: LabCorp Variant Classification Summary - May 2015. Collection method: clinical testing. Allele origin: germline. Not counted in ClinVar's aggregate classification.
Comment: Variant summary: ATM c.3925G>A (p.Ala1309Thr) results in a non-conservative amino acid change in the encoded protein sequence. Three of five in-silico tools predict a benign effect of the variant on protein function. The variant allele was found at a frequency of 0.00069 in 282624 control chromosomes, predominantly at a frequency of 0.0012 within the Non-Finnish European subpopulation in the gnomAD database. The observed variant frequency within Non-Finnish European control individuals in the gnomAD database is approximately 1.2 fold of the estimated maximal expected allele frequency (MPAF) for a pathogenic variant in ATM causing Breast Cancer phenotype (0.001). In addition, in certain European subpopulations the variant was observed with an even higher occurrence, e.g. in the North-western European control population it occurred with a frequency of 0.0019, strongly suggesting that the variant is a benign polymorphism found primarily in populations of Non-Finnish European origin. Additionally, the variant was reported in 17/ 2559 European American women (i.e. with an allele frequency of 0.0015), who were older than age 70, and have never had cancer (in the FLOSSIES database); the allele frequency in this cohort is 1.5-fold higher than the MPAF (0.001), further supporting a benign role for the variant. The variant, c.3925G>A, has been reported in the literature in multiple individuals affected with Breast Cancer and other tumor phenotypes (without strong evidence for causality), and was also reported in controls, including a Swiss, non-cancer related cohort, where the variant was observed with an allele frequency of 0.005 (Kraemer_2019). In a large case-control study combined with meta-analysis, the variant was not associated with an increased risk for breast cancer (Tavtigian_2009). To our knowledge, no experimental evidence demonstrating an impact on protein function has been reported. 15 other submitters have provided clinical-significance assessments for this variant in ClinVar after 2014 without evidence for independent evaluation, and classified the variant as VUS (7x), likely benign (5x) or benign (3x). Based on the evidence outlined above, the variant was classified as benign.

St. Jude Molecular Pathology, St. Jude Children's Research Hospital
Classification: Likely benign for Ataxia-telangiectasia syndrome. Last evaluated: 2020-08-19. Review status: criteria provided, single submitter. Criteria: St. Jude Assertion Criteria 2020. Collection method: clinical testing. Allele origin: germline. Not counted in ClinVar's aggregate classification.
Comment: The ATM c.3925G>A (p.Ala1309Thr) missense variant has a frequency of 0.0006864 (194 of 282,624 alleles) in gnomAD v2.1.1 with a maximum frequency of 0.001209 (156 of 129,002) in the European non-Finnish subpopulation (BS1_Supporting). The most frequent known pathogenic variants in this gene occur at maximal subpopulation frequencies of 0.05%, 0.039%, and 0.033%. Five of seven in silico tools predict a benign effect of this variant on protein function (BP4). This variant has been observed in several patients with breast cancer (PMID: 26976419, 17393301, 20305132) and Lynch syndrome (PMID: 25980754). However, case control studies indicate that the variant is observed in equal frequencies in control individuals, suggesting that the variant is not likely to be associated with disease (PMID: 30287823, 19781682, 21787400). In summary, this variant meets criteria to be classified as likely benign based on the ACMG/AMP criteria: BS1_Supporting, BP4.

Athena Diagnostics
Classification: Benign. Last evaluated: 2018-12-03. Review status: criteria provided, single submitter. Criteria: Athena Diagnostics Criteria. Collection method: clinical testing. Allele origin: germline. Not counted in ClinVar's aggregate classification.

Ambry Genetics
Classification: Likely benign for Hereditary cancer-predisposing syndrome. Last evaluated: 2018-07-09. Review status: criteria provided, single submitter. Criteria: Ambry Variant Classification Scheme 2023. Collection method: clinical testing. Allele origin: germline. Not counted in ClinVar's aggregate classification.

Mendelics
Classification: Likely benign for Ataxia-telangiectasia syndrome. Last evaluated: 2018-07-02. Review status: criteria provided, single submitter. Criteria: Mendelics Assertion Criteria 2017. Collection method: clinical testing. Allele origin: unknown. Not counted in ClinVar's aggregate classification.

GeneDx
Classification: Likely benign. Last evaluated: 2017-12-07. Review status: criteria provided, single submitter. Criteria: GeneDx Variant Classification (06012015). Collection method: clinical testing. Allele origin: germline. Affected: yes. Not counted in ClinVar's aggregate classification.
Comment: This variant is considered likely benign or benign based on one or more of the following criteria: it is a conservative change, it occurs at a poorly conserved position in the protein, it is predicted to be benign by multiple in silico algorithms, and/or has population frequency not consistent with disease.

PreventionGenetics, part of Exact Sciences
Classification: Likely benign. Last evaluated: 2017-07-06. Review status: criteria provided, single submitter. Criteria: ACMG Guidelines, 2015. Collection method: clinical testing. Allele origin: germline. Not counted in ClinVar's aggregate classification.

Clinical Genetics DNA and cytogenetics Diagnostics Lab, Erasmus MC, Erasmus Medical Center
Classification: Likely benign for Ataxia-telangiectasia syndrome. Last evaluated: 2014-12-12. Review status: criteria provided, single submitter. Criteria: ACGS Guidelines, 2013. Collection method: clinical testing. Allele origin: germline. Affected: yes. Study: VKGL Data-share Consensus. Not counted in ClinVar's aggregate classification.

Eurofins Ntd Llc (ga)
Classification: Uncertain significance. Last evaluated: 2014-11-20. Review status: criteria provided, single submitter. Criteria: EGL Classification Definitions 2015. Collection method: clinical testing. Allele origin: germline. Observed: 1 variant allele, 1 heterozygote. Not counted in ClinVar's aggregate classification.

Breakthrough Genomics
Classification: Likely benign. Review status: criteria provided, single submitter. Criteria: ACMG Guidelines, 2015. Collection method: not provided. Allele origin: germline. Inheritance: Autosomal recessive inheritance. Affected: yes. Not counted in ClinVar's aggregate classification.

Genome Diagnostics Laboratory, Amsterdam University Medical Center
Classification: Likely benign for Ataxia-telangiectasia syndrome. Last evaluated: 2016-11-14. Review status: no assertion criteria provided. Criteria: ACGS Guidelines, 2013. Collection method: clinical testing. Allele origin: germline. Affected: yes. Study: VKGL Data-share Consensus. Not counted in ClinVar's aggregate classification.

Clinical Genetics Laboratory, Department of Pathology, Netherlands Cancer Institute
Classification: Likely benign. Review status: no assertion criteria provided. Collection method: clinical testing. Allele origin: germline. Affected: yes. Study: VKGL Data-share Consensus. Not counted in ClinVar's aggregate classification.

Clinical Genetics, Academic Medical Center
Classification: Likely benign. Review status: no assertion criteria provided. Collection method: clinical testing. Allele origin: germline. Affected: yes. Study: VKGL Data-share Consensus. Not counted in ClinVar's aggregate classification.

Department of Pathology and Laboratory Medicine, Sinai Health System
Classification: Likely benign for Malignant tumor of breast. Review status: no assertion criteria provided. Collection method: clinical testing. Allele origin: unknown. Affected: yes. Observed: 1 variant allele. Study: The Canadian Open Genetics Repository (COGR). Not counted in ClinVar's aggregate classification.
Comment: The ATM p.Ala1309Thr variant was identified in 15 of 138364 proband chromosomes (frequency: 0.0001) from individuals or families with breast cancer and was present in 3 of 30056 control chromosomes (frequency: 0.0001) from healthy individuals (Broeks 2008, Tavtigian 2009, Balmana 2016, Bernstein 2010, Goldgar 2011, Momozawa 2018, Tung 2016, Young 2016). The variant was also identified in dbSNP (ID: rs149711770) as "With other allele", ClinVar (classified as likely benign by Invitae, GeneDx, Ambry Genetics and five other submitters; and as uncertain significance by four submitters), and in LOVD 3.0 (3x as likely benign). The variant was identified in control databases in 191 of 276962 chromosomes at a frequency of 0.0007 (Genome Aggregation Database Feb 27, 2017). The variant was observed in the following populations: European in 156 of 126510 chromosomes (freq: 0.001), African in 9 of 24028 chromosomes (freq: 0.0004), Other in 3 of 6460 chromosomes (freq: 0.0005), Latino in 6 of 34408 chromosomes (freq: 0.0002), East Asian in 15 of 18852 chromosomes (freq: 0.0008), Finnish in 2 of 25780 chromosomes (freq: 0.00008); it was not observed in the Ashkenazi Jewish or South Asian populations. The p.Ala1309 residue is not conserved in mammals and four out of five computational analyses (PolyPhen-2, SIFT, AlignGVGD, BLOSUM, MutationTaster) do not suggest a high likelihood of impact to the protein; however, this information is not predictive enough to rule out pathogenicity. The variant occurs outside of the splicing consensus sequence and in silico or computational prediction software programs (SpliceSiteFinder, MaxEntScan, NNSPLICE, GeneSplicer) do not predict a difference in splicing. In summary, based on the above information the clinical significance of this variant cannot be determined with certainty at this time although we would lean towards a more benign role for this variant. This variant is classified as likely benign.

Joint Genome Diagnostic Labs from Nijmegen and Maastricht, Radboudumc and MUMC+
Classification: Likely benign. Review status: no assertion criteria provided. Collection method: clinical testing. Allele origin: germline. Affected: yes. Study: VKGL Data-share Consensus. Not counted in ClinVar's aggregate classification.

Laboratory of Diagnostic Genome Analysis, Leiden University Medical Center (LUMC)
Classification: Likely benign. Review status: no assertion criteria provided. Collection method: clinical testing. Allele origin: germline. Affected: yes. Study: VKGL Data-share Consensus. Not counted in ClinVar's aggregate classification.